The following is an entry in ClinVar:

NM_000090.4(COL3A1):c.818G>A (p.Gly273Glu)

Gene: COL3A1 (collagen type III alpha 1 chain; plus strand). Cytogenetic location: 2q32.2.
Variant type: single nucleotide variant.
Coding change: c.818G>A on transcript NM_000090.4 (MANE Select); coding-DNA position 818, G replaced by A.
Protein change: p.Gly273Glu; replaces glycine 273 with glutamic acid.
Molecular consequence: missense variant.
Genome position (GRCh38, 1-based): chr2:188,991,023, G>A. VCF-style: chr2-188991023-G-A. GRCh37 (hg19) VCF-style: chr2-189855749-G-A.
Other names: short protein forms G273E.
Identifiers: ClinVar variation 2725494 (VCV002725494.4), dbSNP rs2469120410, ClinGen allele CA349849781.
Genomic context (GRCh38, chr2:188,991,023, plus strand): 5'-AACAGATTTTAATAATTTTGCTGGTTTTATACATTTCCTAGGGCTTCGATGGACGAAATG[G>A]AGAAAAGGGTGAAACAGGTGCTCCTGGATTAAAGGTAAATCACAACAAAAATCATATTTT-3'
Protein context (NP_000081.2, residues 263-283): KGHRGFDGRN[Gly273Glu]EKGETGAPGL

ClinVar aggregate classification (germline): Likely pathogenic. Review status: criteria provided, multiple submitters, no conflicts (2 of 4 stars). 2 submissions from 2 submitters: Likely pathogenic (2). Last evaluated 2023-07-16.

Conditions:
Ehlers-Danlos syndrome, type 4 (EDSVASC). Also called: Ehlers-Danlos Syndrome Type IV; Ehlers-Danlos syndrome vascular type; Ehlers Danlos syndrome, ecchymotic type; Ehlers Danlos syndrome, arterial type; Ehlers Danlos syndrome, Sack-Barabas type. Identifiers: Orphanet 286, MedGen C0268338, MONDO:0017314, OMIM 130050.

Submissions (2):

Labcorp Genetics (formerly Invitae), Labcorp
Classification: Likely pathogenic for Ehlers-Danlos syndrome, type 4. Last evaluated: 2023-07-16. Review status: criteria provided, single submitter. Criteria: Invitae Variant Classification Sherloc (09022015). Collection method: clinical testing. Allele origin: germline.
Comment: In summary, the currently available evidence indicates that the variant is pathogenic, but additional data are needed to prove that conclusively. Therefore, this variant has been classified as Likely Pathogenic. This variant disrupts the triple helix domain of COL3A1. Glycine residues within the Gly-Xaa-Yaa repeats of the triple helix domain are required for the structure and stability of fibrillar collagens (PMID: 7695699, 8218237, 19344236). In COL3A1, variants that affect these glycine residues are significantly enriched in individuals with disease (PMID: 24922459, 25758994) compared to the general population (ExAC). Advanced modeling of protein sequence and biophysical properties (such as structural, functional, and spatial information, amino acid conservation, physicochemical variation, residue mobility, and thermodynamic stability) performed at Invitae indicates that this missense variant is expected to disrupt COL3A1 protein function. This variant has not been reported in the literature in individuals affected with COL3A1-related conditions. This variant is not present in population databases (gnomAD no frequency). This sequence change replaces glycine, which is neutral and non-polar, with glutamic acid, which is acidic and polar, at codon 273 of the COL3A1 protein (p.Gly273Glu).

ARUP Laboratories, Molecular Genetics and Genomics, ARUP Laboratories
Classification: Likely pathogenic. Last evaluated: 2023-02-15. Review status: criteria provided, single submitter. Criteria: ARUP Molecular Germline Variant Investigation Process 2024. Collection method: clinical testing. Allele origin: germline.
Comment: The COL3A1 c.818G>A; p.Gly273Glu variant, to our knowledge, is not reported in the medical literature or gene specific databases. This variant is also absent from the Genome Aggregation Database, indicating it is not a common polymorphism. Computational analyses predict that this variant is deleterious (REVEL: 0.998). This variant alters a highly conserved glycine residue in the triple helical domain, which has been shown to disrupt the formation of the collagen helix and lead to connective tissue disorders (Persikov 2004, Weerakkody 2016). Based on available information, this variant is considered to be likely pathogenic. References: Persikov A et al. Stability related bias in residues replacing glycines within the collagen triple helix (Gly-Xaa-Yaa) in inherited connective tissue disorders. Hum Mutat. 2004 Oct;24(4):330-7. PMID: 15365990. Weerakkody R et al. Targeted next-generation sequencing makes new molecular diagnoses and expands genotype-phenotype relationship in Ehlers-Danlos syndrome. Genet Med. 2016; 18(11):1119-1127. PMID: 27011056.

Literature cited by the submitters: PubMed 7695699 (cited by Labcorp Genetics (formerly Invitae), Labcorp); PubMed 8218237 (cited by Labcorp Genetics (formerly Invitae), Labcorp); PubMed 19344236 (cited by Labcorp Genetics (formerly Invitae), Labcorp); PubMed 24922459 (cited by Labcorp Genetics (formerly Invitae), Labcorp); PubMed 25758994 (cited by Labcorp Genetics (formerly Invitae), Labcorp).